The following is an entry in ClinVar:

ClinVar aggregate classification (germline): Uncertain significance (1 of 4 stars; one submission).

Allele frequency attached by ClinVar (database versions not stated): ExAC 0.00001; gnomAD exomes 0.00001.
gnomAD v4.1: 4 of 1,614,008 alleles (0.00025%); highest among the groups gnomAD compares: Non-Finnish European, 0.00034%; no homozygotes.

Submission:

Labcorp Genetics (formerly Invitae), Labcorp
Classification: Uncertain significance. Last evaluated: 2025-03-06. Review status: criteria provided, single submitter. Criteria: Invitae Variant Classification Sherloc (09022015). Collection method: clinical testing. Allele origin: germline.
Comment: This sequence change replaces leucine, which is neutral and non-polar, with proline, which is neutral and non-polar, at codon 73 of the PIGL protein (p.Leu73Pro). This variant is present in population databases (rs769692415, gnomAD 0.0009%). This variant has not been reported in the literature in individuals affected with PIGL-related conditions. ClinVar contains an entry for this variant (Variation ID: 1430951). Invitae Evidence Modeling of protein sequence and biophysical properties (such as structural, functional, and spatial information, amino acid conservation, physicochemical variation, residue mobility, and thermodynamic stability) has been performed for this missense variant. However, the output from this modeling did not meet the statistical confidence thresholds required to predict the impact of this variant on PIGL protein function. In summary, the available evidence is currently insufficient to determine the role of this variant in disease. Therefore, it has been classified as a Variant of Uncertain Significance.

NM_004278.4(PIGL):c.218T>C (p.Leu73Pro)

Gene: PIGL (phosphatidylinositol glycan anchor biosynthesis class L; plus strand). Cytogenetic location: 17p11.2.
Variant type: single nucleotide variant.
Coding change: c.218T>C on transcript NM_004278.4 (MANE Select); coding-DNA position 218, T replaced by C.
Protein change: p.Leu73Pro; replaces leucine 73 with proline.
Molecular consequence: missense variant.
Genome position (GRCh38, 1-based): chr17:16,217,444, T>C. VCF-style: chr17-16217444-T-C. GRCh37 (hg19) VCF-style: chr17-16120758-T-C.
Other names: short protein forms L73P.
Identifiers: ClinVar variation 1430951 (VCV001430951.6), dbSNP rs769692415, ClinGen allele CA8409774.